The following is an entry in ClinVar:

NM_012452.3(TNFRSF13B):c.587_598del (p.Gln196_Ser199del)

Gene: TNFRSF13B (TNF receptor superfamily member 13B; minus strand). Cytogenetic location: 17p11.2.
Variant type: Deletion.
Coding change: c.587_598del on transcript NM_012452.3 (MANE Select); coding-DNA positions 587 to 598, 12 bases deleted (AGCCCCGCTCAA).
Protein change: p.Gln196_Ser199del.
Molecular consequence: inframe deletion.
Genome position (GRCh38, 1-based): chr17:16,940,359-16,940,370, TTGAGCGGGGCT deleted on the plus strand (AGCCCCGCTCAA on the coding strand, the reverse complement: TNFRSF13B is on the minus strand). VCF-style (leftmost placement, unchanged base first): chr17-16940358-CTTGAGCGGGGCT-C. GRCh37 (hg19) VCF-style: chr17-16843672-CTTGAGCGGGGCT-C.
Identifiers: ClinVar variation 1026686 (VCV001026686.5), dbSNP rs2087500281, ClinGen allele CA2250290609.

ClinVar aggregate classification (germline): Uncertain significance (1 of 4 stars; one submission).

Conditions:
Immunodeficiency, common variable, 2 (CVID2). Also called: HYPOGAMMAGLOBULINEMIA DUE TO TACI DEFICIENCY; ANTIBODY DEFICIENCY DUE TO TACI DEFECT. Identifiers: Orphanet 1572, MedGen C3150354, MONDO:0009413, OMIM 240500.

Allele frequency attached by ClinVar (database versions not stated): gnomAD exomes below 0.00001.

Submission:

Labcorp Genetics (formerly Invitae), Labcorp
Classification: Uncertain significance for Immunodeficiency, common variable, 2. Last evaluated: 2020-02-10. Review status: criteria provided, single submitter. Criteria: Invitae Variant Classification Sherloc (09022015). Collection method: clinical testing. Allele origin: germline.
Comment: This variant, c.587_598del, results in the deletion of 4 amino acid(s) of the TNFRSF13B protein (p.Gln196_Ser199del), but otherwise preserves the integrity of the reading frame. This variant is not present in population databases (ExAC no frequency). This variant has not been reported in the literature in individuals with TNFRSF13B-related conditions. Experimental studies and prediction algorithms are not available or were not evaluated, and the functional significance of this variant is currently unknown. In summary, the available evidence is currently insufficient to determine the role of this variant in disease. Therefore, it has been classified as a Variant of Uncertain Significance.